The following is an entry in ClinVar:

NM_198578.4(LRRK2):c.1469T>C (p.Val490Ala)

Gene: LRRK2 (leucine rich repeat kinase 2; plus strand). Cytogenetic location: 12q12.
Variant type: single nucleotide variant.
Coding change: c.1469T>C on transcript NM_198578.4 (MANE Select); coding-DNA position 1469, T replaced by C.
Protein change: p.Val490Ala; replaces valine 490 with alanine.
Molecular consequence: missense variant.
Genome position (GRCh38, 1-based): chr12:40,259,530, T>C. VCF-style: chr12-40259530-T-C. GRCh37 (hg19) VCF-style: chr12-40653332-T-C.
Other names: short protein forms V490A.
Identifiers: ClinVar variation 2489941 (VCV002489941.3), dbSNP rs1242689500, ClinGen allele CA384411437.
Genomic context (GRCh38, chr12:40,259,530, plus strand): 5'-ATATCCCCAGCAACACTTCCCTGGATATAATGGCAGCAGTGGTCCCCAAAATACTAACAG[T>C]TATGAAACGTCATGAGACATCATTACCAGTGCAGCTGGAGGCGCTTCGAGCTATTTTACA-3'
Protein context (NP_940980.4, residues 480-500): MAAVVPKILT[Val490Ala]MKRHETSLPV

ClinVar aggregate classification (germline): Uncertain significance. Review status: criteria provided, multiple submitters, no conflicts (2 of 4 stars). 2 submissions from 2 submitters: Uncertain significance (2). Last evaluated 2025-05-25.

Conditions:
Inborn genetic diseases. Identifiers: MedGen C0950123, MeSH D030342.

Allele frequency attached by ClinVar (database versions not stated): gnomAD exomes below 0.00001; TOPMed below 0.00001.
gnomAD v4.1: 6 of 1,613,410 alleles (0.00037%); highest among the groups gnomAD compares: Non-Finnish European, 0.00042%; no homozygotes.

Submissions (2):

GeneDx
Classification: Uncertain significance. Last evaluated: 2025-05-25. Review status: criteria provided, single submitter. Criteria: GeneDx Variant Classification Process June 2021. Collection method: clinical testing. Allele origin: germline. Affected: yes.
Comment: Not observed at significant frequency in large population cohorts (gnomAD); In silico analysis suggests that this missense variant does not alter protein structure/function; Has not been previously published as pathogenic or benign to our knowledge

Ambry Genetics
Classification: Uncertain significance for Inborn genetic diseases. Last evaluated: 2022-11-11. Review status: criteria provided, single submitter. Criteria: Ambry Variant Classification Scheme 2023. Collection method: clinical testing. Allele origin: germline.
Comment: The p.V490A variant (also known as c.1469T>C), located in coding exon 13 of the LRRK2 gene, results from a T to C substitution at nucleotide position 1469. The valine at codon 490 is replaced by alanine, an amino acid with similar properties. This amino acid position is conserved. In addition, this alteration is predicted to be tolerated by in silico analysis. Since supporting evidence is limited at this time, the clinical significance of this alteration remains unclear.